The following is an entry in ClinVar:

ClinVar aggregate classification (germline): Uncertain significance (1 of 4 stars; one submission).

Conditions:
Primary ciliary dyskinesia. Also called: Ciliary dyskinesia. Identifiers: Orphanet 244, MedGen C0008780, MONDO:0016575, HP:0012265.

Allele frequency attached by ClinVar (database versions not stated): TOPMed below 0.00001; gnomAD 0.00001; gnomAD exomes 0.00001; ExAC 0.00002.
gnomAD v4.1: 9 of 1,601,504 alleles (0.00056%); highest among the groups gnomAD compares: Non-Finnish European, 0.00077%; no homozygotes.

Submission:

Labcorp Genetics (formerly Invitae), Labcorp
Classification: Uncertain significance for Primary ciliary dyskinesia. Last evaluated: 2020-01-22. Review status: criteria provided, single submitter. Criteria: Invitae Variant Classification Sherloc (09022015). Collection method: clinical testing. Allele origin: germline.
Comment: In summary, the available evidence is currently insufficient to determine the role of this variant in disease. Therefore, it has been classified as a Variant of Uncertain Significance. Algorithms developed to predict the effect of missense changes on protein structure and function are either unavailable or do not agree on the potential impact of this missense change (SIFT: "Deleterious"; PolyPhen-2: "Not Available"; Align-GVGD: "Class C0"). This variant has not been reported in the literature in individuals with DNAH8-related conditions. This variant is present in population databases (rs773425594, ExAC 0.003%). This sequence change replaces valine with alanine at codon 917 of the DNAH8 protein (p.Val917Ala). The valine residue is moderately conserved and there is a small physicochemical difference between valine and alanine.

NM_001206927.2(DNAH8):c.2750T>C (p.Val917Ala)

Gene: DNAH8 (dynein axonemal heavy chain 8; plus strand). Cytogenetic location: 6p21.2.
Variant type: single nucleotide variant.
Coding change: c.2750T>C on transcript NM_001206927.2 (MANE Select); coding-DNA position 2750, T replaced by C.
Protein change: p.Val917Ala; replaces valine 917 with alanine.
Molecular consequence: missense variant.
Genome position (GRCh38, 1-based): chr6:38,790,374, T>C. VCF-style: chr6-38790374-T-C. GRCh37 (hg19) VCF-style: chr6-38758150-T-C.
Other names: c.2099T>C, p.Val700Ala (NM_001371.4); short protein forms V917A, V700A.
Identifiers: ClinVar variation 857005 (VCV000857005.10), dbSNP rs773425594, ClinGen allele CA3788606.